The following is an entry in ClinVar:

ClinVar aggregate classification (germline): Uncertain significance (1 of 4 stars; one submission).

Conditions:
Hereditary cancer-predisposing syndrome. Also called: Neoplastic Syndromes, Hereditary; Tumor predisposition; Hereditary Cancer Syndrome; Hereditary neoplastic syndrome. Identifiers: Orphanet 140162, MedGen C0027672, MeSH D009386, MONDO:0015356.

Submission:

Color Diagnostics, LLC DBA Color Health
Classification: Uncertain significance for Hereditary cancer-predisposing syndrome. Last evaluated: 2023-07-17. Review status: criteria provided, single submitter. Criteria: ACMG Guidelines, 2015. Collection method: clinical testing. Allele origin: germline.
Comment: This missense variant replaces leucine with serine at codon 224 of the BMPR1A protein. Computational prediction suggests that this variant may have deleterious impact on protein structure and function (internally defined REVEL score threshold >= 0.7, PMID: 27666373). To our knowledge, functional studies have not been reported for this variant. This variant has not been reported in individuals affected with BMPR1A-related disorders in the literature. This variant has not been identified in the general population by the Genome Aggregation Database (gnomAD). The available evidence is insufficient to determine the role of this variant in disease conclusively. Therefore, this variant is classified as a Variant of Uncertain Significance.

NM_004329.3(BMPR1A):c.671T>C (p.Leu224Ser)

Gene: BMPR1A (bone morphogenetic protein receptor type 1A; plus strand). Cytogenetic location: 10q23.2.
Variant type: single nucleotide variant.
Coding change: c.671T>C on transcript NM_004329.3 (MANE Select); coding-DNA position 671, T replaced by C.
Protein change: p.Leu224Ser; replaces leucine 224 with serine.
Molecular consequence: missense variant. On other transcripts: non-coding transcript variant (3), intron variant (1).
Genome position (GRCh38, 1-based): chr10:86,912,380, T>C. VCF-style: chr10-86912380-T-C. GRCh37 (hg19) VCF-style: chr10-88672137-T-C.
Other names: c.746T>C, p.Leu249Ser (NM_001406559.1); c.719T>C, p.Leu240Ser (NM_001406560.1); c.671T>C, p.Leu224Ser (NM_001406561.1, NM_001406562.1, NM_001406563.1 and 20 more transcripts); c.587T>C, p.Leu196Ser (NM_001406584.1, NM_001406585.1, NM_001406586.1 and 2 more transcripts); c.334-4754T>C (NM_001406589.1); short protein forms L196S, L249S, L224S, L240S.
Identifiers: ClinVar variation 2774807 (VCV002774807.2), dbSNP rs2539574858, ClinGen allele CA377455201.